The following is an entry in ClinVar:

ClinVar aggregate classification (germline): Uncertain significance (1 of 4 stars; one submission).

Allele frequency attached by ClinVar (database versions not stated): ExAC 0.00001; TOPMed 0.00001; gnomAD 0.00002; ESP Exome Variant Server 0.00008.

Submission:

Labcorp Genetics (formerly Invitae), Labcorp
Classification: Uncertain significance. Last evaluated: 2024-11-04. Review status: criteria provided, single submitter. Criteria: Invitae Variant Classification Sherloc (09022015). Collection method: clinical testing. Allele origin: germline.
Comment: This sequence change replaces alanine, which is neutral and non-polar, with valine, which is neutral and non-polar, at codon 1819 of the TUBGCP6 protein (p.Ala1819Val). This variant is present in population databases (rs370024869, gnomAD 0.008%). This variant has not been reported in the literature in individuals affected with TUBGCP6-related conditions. ClinVar contains an entry for this variant (Variation ID: 2102350). An algorithm developed to predict the effect of missense changes on protein structure and function (PolyPhen-2) suggests that this variant is likely to be tolerated. In summary, the available evidence is currently insufficient to determine the role of this variant in disease. Therefore, it has been classified as a Variant of Uncertain Significance.

NM_020461.4(TUBGCP6):c.5456C>T (p.Ala1819Val)

Gene: TUBGCP6 (tubulin gamma complex component 6; minus strand). Cytogenetic location: 22q13.33.
Variant type: single nucleotide variant.
Coding change: c.5456C>T on transcript NM_020461.4 (MANE Select); coding-DNA position 5456, C replaced by T.
Protein change: p.Ala1819Val; replaces alanine 1819 with valine.
Molecular consequence: missense variant.
Genome position (GRCh38, 1-based): chr22:50,217,740, G>A on the plus strand (C>T on the coding strand, the complement: TUBGCP6 is on the minus strand). VCF-style: chr22-50217740-G-A. GRCh37 (hg19) VCF-style: chr22-50656169-G-A.
Other names: short protein forms A1819V.
Identifiers: ClinVar variation 2102350 (VCV002102350.4), dbSNP rs370024869, ClinGen allele CA10306996.